The following is an entry in ClinVar:

ClinVar aggregate classification (germline): Pathogenic (1 of 4 stars; one submission).

Submission:

Labcorp Genetics (formerly Invitae), Labcorp
Classification: Pathogenic. Last evaluated: 2023-01-17. Review status: criteria provided, single submitter. Criteria: Invitae Variant Classification Sherloc (09022015). Collection method: clinical testing. Allele origin: germline.
Comment: For these reasons, this variant has been classified as Pathogenic. This variant has not been reported in the literature in individuals affected with LOXHD1-related conditions. This variant is not present in population databases (gnomAD no frequency). This sequence change creates a premature translational stop signal (p.Gly1689Alafs*6) in the LOXHD1 gene. It is expected to result in an absent or disrupted protein product. Loss-of-function variants in LOXHD1 are known to be pathogenic (PMID: 19732867, 21465660, 25792669).

Literature cited by the submitters: PubMed 19732867; PubMed 21465660; PubMed 25792669.

NM_001384474.1(LOXHD1):c.5066del (p.Gly1689fs)

Gene: LOXHD1 (lipoxygenase homology PLAT domains 1; minus strand). Cytogenetic location: 18q21.1.
Variant type: Deletion.
Coding change: c.5066del on transcript NM_001384474.1 (MANE Select); coding-DNA position 5066, one base deleted (G; older notation c.5066delG).
Protein change: p.Gly1689fs; shifts the reading frame from glycine 1689.
Molecular consequence: frameshift variant.
Genome position (GRCh38, 1-based): chr18:46,522,120, C deleted on the plus strand (G on the coding strand, the reverse complement: LOXHD1 is on the minus strand); the first of 3 consecutive C bases (chr18:46,522,120-46,522,122); deleting any one gives the same sequence. VCF-style (leftmost placement, unchanged base first): chr18-46522119-GC-G. GRCh37 (hg19) VCF-style: chr18-44102082-GC-G.
Other names: c.1733del, p.Gly578fs (NM_001145472.3); c.1445del, p.Gly482fs (NM_001308013.2); c.5066del, p.Gly1689fs (NM_144612.7); short protein forms G1689fs, G482fs, G578fs.
Identifiers: ClinVar variation 2827571 (VCV002827571.3), dbSNP rs2511598355, ClinGen allele CA2739268705.
Genomic context (GRCh38, chr18:46,522,119, plus strand): 5'-CCCTAGGGTGGTCACTATCATGGGGCCCCGAGAAGCCAGCACCTCTATTTTCTTGATGAT[GC>G]CCACATCCAAGCCTGCGACGTAGAACTCCTCCACAGAGCCACGGCTGAAGCCCCTCTTCC-3'